The following is an entry in ClinVar:

ClinVar aggregate classification (germline): Uncertain significance (1 of 4 stars; one submission).

Conditions:
Familial adenomatous polyposis 1 (FAP1). Also called: FAMILIAL ADENOMATOUS POLYPOSIS 1, ATTENUATED; POLYPOSIS, ADENOMATOUS INTESTINAL. Identifiers: MedGen C2713442, MONDO:0021056, OMIM 175100. Disease mechanism: loss of function.

Submission:

Labcorp Genetics (formerly Invitae), Labcorp
Classification: Uncertain significance for Familial adenomatous polyposis 1. Last evaluated: 2024-11-19. Review status: criteria provided, single submitter. Criteria: Invitae Variant Classification Sherloc (09022015). Collection method: clinical testing. Allele origin: germline.
Comment: This variant occurs in a non-coding region of the APC gene. It does not change the encoded amino acid sequence of the APC protein. This variant is not present in population databases (gnomAD no frequency). This variant has not been reported in the literature in individuals affected with APC-related conditions. Experimental studies and prediction algorithms are not available or were not evaluated, and the functional significance of this variant is currently unknown. In summary, the available evidence is currently insufficient to determine the role of this variant in disease. Therefore, it has been classified as a Variant of Uncertain Significance.

NM_001127511.3(APC):c.17G>C (p.Gly6Ala)

Gene: APC (APC regulator of Wnt signaling pathway; plus strand). Cytogenetic location: 5q22.2.
Variant type: single nucleotide variant.
Coding change: c.17G>C on transcript NM_001127511.3; coding-DNA position 17, G replaced by C.
Protein change: p.Gly6Ala; replaces glycine 6 with alanine.
Molecular consequence: missense variant. On other transcripts: 5 prime UTR variant (8), non-coding transcript variant (1), intron variant (5).
Genome position (GRCh38, 1-based): chr5:112,707,734, G>C. VCF-style: chr5-112707734-G-C. GRCh37 (hg19) VCF-style: chr5-112043431-G-C.
Other names: c.-167G>C (NM_001354895.2, NM_001407447.1, NM_001407452.1 and 3 more transcripts); c.17G>C, p.Gly6Ala (NM_001354897.2, NM_001354902.2, NM_001407446.1); c.-1202G>C (NM_001407470.1, NM_001407472.1); c.-19+85G>C (NM_001407448.1, NM_001407450.1, NM_001407457.1 and 1 more transcripts); c.-43+85G>C (NM_001407453.1); short protein forms G6A.
Identifiers: ClinVar variation 3725633 (VCV003725633.2).
Genomic context (GRCh38, chr5:112,707,734, plus strand): 5'-GAAGGTGAAGCACTCAGTTGCCTTCTCGGGCCTCGGCGCCCCCTATGTACGCCTCCCTGG[G>C]CTCGGGTCCGGTCGCCCCTTTGCCCGCTTCTGTACCACCCTCAGTTCTCGGGTCCTGGAG-3'